The following is an entry in ClinVar:

ClinVar aggregate classification (germline): Uncertain significance (1 of 4 stars; one submission).

gnomAD v4.1: 2 of 1,613,946 alleles (0.00012%); no homozygotes.

Submission:

CeGaT Center for Human Genetics Tuebingen
Classification: Uncertain significance. Last evaluated: 2026-09-01. Review status: criteria provided, single submitter. Criteria: CeGaT Center For Human Genetics Tuebingen Variant Classification Criteria Version 2. Collection method: clinical testing. Allele origin: germline. Affected: yes. Observed: 1 variant allele.
Comment: SPEF2: PM2

NM_024867.4(SPEF2):c.1598G>A (p.Gly533Asp)

Gene: SPEF2 (sperm flagellar and cilia associated 2; plus strand). Cytogenetic location: 5p13.2.
Variant type: single nucleotide variant.
Coding change: c.1598G>A on transcript NM_024867.4 (MANE Select); coding-DNA position 1598, G replaced by A.
Protein change: p.Gly533Asp; replaces glycine 533 with aspartic acid.
Molecular consequence: missense variant.
Genome position (GRCh38, 1-based): chr5:35,691,110, G>A. VCF-style: chr5-35691110-G-A. GRCh37 (hg19) VCF-style: chr5-35691212-G-A.
Other names: short protein forms G533D.
Identifiers: ClinVar variation 5040714 (VCV005040714.1).